The following is an entry in ClinVar:

NM_000702.4(ATP1A2):c.2846A>G (p.Lys949Arg)

Gene: ATP1A2 (ATPase Na+/K+ transporting subunit alpha 2; plus strand). Cytogenetic location: 1q23.2.
Variant type: single nucleotide variant.
Coding change: c.2846A>G on transcript NM_000702.4 (MANE Select); coding-DNA position 2846, A replaced by G.
Protein change: p.Lys949Arg; replaces lysine 949 with arginine.
Molecular consequence: missense variant.
Genome position (GRCh38, 1-based): chr1:160,139,645, A>G. VCF-style: chr1-160139645-A-G. GRCh37 (hg19) VCF-style: chr1-160109435-A-G.
Other names: short protein forms K949R.
Identifiers: ClinVar variation 4074460 (VCV004074460.1).

ClinVar aggregate classification (germline): Uncertain significance (1 of 4 stars; one submission).

gnomAD v4.1: 7 of 1,614,036 alleles (0.00043%); highest among the groups gnomAD compares: African/African-American, 0.0013%; no homozygotes.

Submission:

GeneDx
Classification: Uncertain significance. Last evaluated: 2025-02-05. Review status: criteria provided, single submitter. Criteria: GeneDx Variant Classification Process June 2021. Collection method: clinical testing. Allele origin: germline. Affected: yes.
Comment: Not observed at significant frequency in large population cohorts (gnomAD); In silico analysis indicates that this missense variant does not alter protein structure/function; Has not been previously published as pathogenic or benign to our knowledge